The following is an entry in ClinVar:

ClinVar aggregate classification (germline): Likely pathogenic (1 of 4 stars; one submission).

Conditions:
Hemochromatosis type 3 (HFE3). Also called: HEMOCHROMATOSIS DUE TO DEFECT IN TRANSFERRIN RECEPTOR 2; Hereditary hemochromatosis type 3; TFR2-Related Hemochromatosis. Identifiers: Orphanet 225123, MedGen C1858664, MONDO:0011417, OMIM 604250.

gnomAD v4.1: 1 of 1,614,098 alleles (0.000062%); highest among the groups gnomAD compares: Admixed American, 0.0017%; no homozygotes.

Submission:

Natera, Inc.
Classification: Likely pathogenic for Hereditary hemochromatosis type 3. Last evaluated: 2026-01-14. Review status: criteria provided, single submitter. Criteria: Natera Variant Classification Schema (03/2026). Collection method: clinical testing. Allele origin: germline.
Comment: The c.1605+1G>A variant in TFR2 is a canonical splice donor site variant predicted to affect pre-mRNA splicing, which may result in an abnormal transcript and altered protein product. This variant is expected to result in nonsense mediated decay, truncation, or a dysfunctional protein product. This variant is rare in the general population with a frequency below the threshold expected for the associated phenotype(s). Given the available evidence, this variant is classified as Likely Pathogenic.

NM_003227.4(TFR2):c.1605+1G>A

Gene: TFR2 (transferrin receptor 2; minus strand). Cytogenetic location: 7q22.1.
Variant type: single nucleotide variant.
Coding change: c.1605+1G>A on transcript NM_003227.4 (MANE Select); the canonical splice donor site of the intron after coding-DNA position 1605, G replaced by A.
Molecular consequence: splice donor variant.
Genome position (GRCh38, 1-based): chr7:100,627,906, C>T on the plus strand (G>A on the coding strand, the complement: TFR2 is on the minus strand). VCF-style: chr7-100627906-C-T. GRCh37 (hg19) VCF-style: chr7-100225529-C-T.
Other names: c.1092+1G>A (NM_001206855.3).
Identifiers: ClinVar variation 4815096 (VCV004815096.1).